The following is an entry in ClinVar:

ClinVar aggregate classification (germline): Likely benign (1 of 4 stars; one submission).

Submission:

GeneDx
Classification: Likely benign. Last evaluated: 2015-12-31. Review status: criteria provided, single submitter. Criteria: GeneDx Variant Classification (06012015). Collection method: clinical testing. Allele origin: germline. Affected: yes.
Comment: This variant is considered likely benign or benign based on one or more of the following criteria: it is a conservative change, it occurs at a poorly conserved position in the protein, it is predicted to be benign by multiple in silico algorithms, and/or has population frequency not consistent with disease.

NM_005359.6(SMAD4):c.-128+16_-128+18delinsTT

Gene: SMAD4 (SMAD family member 4; plus strand). Cytogenetic location: 18q21.2.
Variant type: Indel.
Coding change: c.-128+16_-128+18delinsTT on transcript NM_005359.6 (MANE Select); bases 16 to 18 of the intron after 128 bases upstream of the start codon, CCC replaced by TT.
Molecular consequence: intron variant.
Genome position (GRCh38, 1-based): chr18:51,030,639-51,030,641, CCC replaced by TT. VCF-style: chr18-51030639-CCC-TT. GRCh37 (hg19) VCF-style: chr18-48557009-CCC-TT.
Other names: c.-128+16_-128+18delCCCinsTT (NM_005359.5).
Identifiers: ClinVar variation 420335 (VCV000420335.1), dbSNP rs1064794420, ClinGen allele CA16620694.